The following is an entry in ClinVar:

ClinVar aggregate classification (germline): Uncertain significance (1 of 4 stars; one submission).

Submission:

Labcorp Genetics (formerly Invitae), Labcorp
Classification: Uncertain significance. Last evaluated: 2021-05-17. Review status: criteria provided, single submitter. Criteria: Invitae Variant Classification Sherloc (09022015). Collection method: clinical testing. Allele origin: germline.
Comment: In summary, the available evidence is currently insufficient to determine the role of this variant in disease. Therefore, it has been classified as a Variant of Uncertain Significance. Advanced modeling of protein sequence and biophysical properties (such as structural, functional, and spatial information, amino acid conservation, physicochemical variation, residue mobility, and thermodynamic stability) performed at Invitae indicates that this missense variant is not expected to disrupt COL11A1 protein function. This variant has not been reported in the literature in individuals with COL11A1-related conditions. This variant is not present in population databases (ExAC no frequency). This sequence change replaces isoleucine with threonine at codon 1750 of the COL11A1 protein (p.Ile1750Thr). The isoleucine residue is moderately conserved and there is a moderate physicochemical difference between isoleucine and threonine.

NM_001854.4(COL11A1):c.5249T>C (p.Ile1750Thr)

Genes: COL11A1 (collagen type XI alpha 1 chain; minus strand), LOC126805814 (P300/CBP strongly-dependent group 1 enhancer GRCh37_chr1:103344928-103346127; plus strand). Cytogenetic location: 1p21.1.
Variant type: single nucleotide variant.
Coding change: c.5249T>C on transcript NM_001854.4 (MANE Select); coding-DNA position 5249, T replaced by C.
Protein change: p.Ile1750Thr; replaces isoleucine 1750 with threonine.
Molecular consequence: missense variant. On other transcripts: non-coding transcript variant (1).
Genome position (GRCh38, 1-based): chr1:102,879,708, A>G on the plus strand (T>C on the coding strand, the complement: COL11A1 is on the minus strand). VCF-style: chr1-102879708-A-G. GRCh37 (hg19) VCF-style: chr1-103345264-A-G.
Other names: c.5132T>C, p.Ile1711Thr (NM_001190709.2); c.5285T>C, p.Ile1762Thr (NM_080629.3); c.4901T>C, p.Ile1634Thr (NM_080630.4); short protein forms I1634T, I1711T, I1750T, I1762T.
Identifiers: ClinVar variation 1354394 (VCV001354394.8), dbSNP rs2101006645, ClinGen allele CA341210776.